The following is an entry in ClinVar:

NM_001370466.1(NOD2):c.1965G>T (p.Leu655Phe)

Gene: NOD2 (nucleotide binding oligomerization domain containing 2; plus strand). Cytogenetic location: 16q12.1.
Variant type: single nucleotide variant.
Coding change: c.1965G>T on transcript NM_001370466.1 (MANE Select); coding-DNA position 1965, G replaced by T.
Protein change: p.Leu655Phe; replaces leucine 655 with phenylalanine.
Molecular consequence: missense variant. On other transcripts: non-coding transcript variant (1).
Genome position (GRCh38, 1-based): chr16:50,711,957, G>T. VCF-style: chr16-50711957-G-T. GRCh37 (hg19) VCF-style: chr16-50745868-G-T.
Other names: c.1965G>T, p.Leu655Phe (NM_001293557.2); c.2046G>T, p.Leu682Phe (NM_022162.3); c.2046G>T (LRG_177t1); short protein forms L682F, L655F.
Identifiers: ClinVar variation 319457 (VCV000319457.31), dbSNP rs149002807, ClinGen allele CA8051681.
Genomic context (GRCh38, chr16:50,711,957, plus strand): 5'-GCTGCAGAAGGCCGAGCCGCACAACCTTCAGATCACAGCAGCCTTCCTGGCAGGGCTGTT[G>T]TCCCGGGAGCACTGGGGCCTGCTGGCTGAGTGCCAGACATCTGAGAAGGCCCTGCTCCGG-3'
Protein context (NP_001357395.1, residues 645-665): QITAAFLAGL[Leu655Phe]SREHWGLLAE

ClinVar aggregate classification (germline): Conflicting classifications of pathogenicity. Review status: criteria provided, conflicting classifications (1 of 4 stars). 7 submissions from 6 submitters: Uncertain significance (2); Benign (1); Likely benign (4). Last evaluated 2026-09-01.

Conditions:
Blau syndrome (BLAUS). Also called: ARTHROCUTANEOUVEAL GRANULOMATOSIS; GRANULOMATOSIS, FAMILIAL JUVENILE SYSTEMIC; GRANULOMATOSIS, FAMILIAL, BLAU TYPE; GRANULOMATOUS INFLAMMATORY ARTHRITIS, DERMATITIS, AND UVEITIS, FAMILIAL; JABS SYNDROME. Identifiers: Orphanet 90340, MedGen C5201146, MONDO:0008523, OMIM 186580.
Regional enteritis. Also called: Enteritis, Granulomatous. Identifiers: MedGen C0678202, MeSH D003424.
Inflammatory bowel disease 1 (IBD1). Also called: Inflammatory bowel disease 1, Crohn disease; INFLAMMATORY BOWEL DISEASE (CROHN DISEASE) 1. Identifiers: MedGen CN260071, MONDO:0009960, OMIM 266600.

Allele frequency attached by ClinVar (database versions not stated): TOPMed 0.00008; gnomAD 0.00009 and 0.00011; ESP Exome Variant Server 0.00015; 1000 Genomes Project 30x 0.00016; 1000 Genomes Project 0.00020; gnomAD exomes 0.00020 and 0.00042; ExAC 0.00047.
gnomAD v4.1: 312 of 1,613,164 alleles (0.019%); highest among the groups gnomAD compares: Middle Eastern, 0.18%; no homozygotes.

Submissions (7):

CeGaT Center for Human Genetics Tuebingen
Classification: Likely benign. Last evaluated: 2026-09-01. Review status: criteria provided, single submitter. Criteria: CeGaT Center For Human Genetics Tuebingen Variant Classification Criteria Version 2. Collection method: clinical testing. Allele origin: germline. Affected: yes. Observed: 2 variant alleles.
Comment: NOD2: BS1

Labcorp Genetics (formerly Invitae), Labcorp
Classification: Likely benign for Regional enteritis; Blau syndrome. Last evaluated: 2025-12-02. Review status: criteria provided, single submitter. Criteria: Invitae Variant Classification Sherloc (09022015). Collection method: clinical testing. Allele origin: germline.

Women's Health and Genetics/Laboratory Corporation of America, LabCorp
Classification: Likely benign. Last evaluated: 2025-11-18. Review status: criteria provided, single submitter. Criteria: LabCorp Variant Classification Summary - May 2015. Collection method: clinical testing. Allele origin: germline.

GeneDx
Classification: Uncertain significance. Last evaluated: 2025-08-15. Review status: criteria provided, single submitter. Criteria: GeneDx Variant Classification Process June 2021. Collection method: clinical testing. Allele origin: germline. Affected: yes.
Comment: In silico analysis supports that this missense variant has a deleterious effect on protein structure/function; Reported in patients with primary immunodeficiencies and/or autoinflammatory disorders in published literature (PMID: 33225392, 33165748, 39006921); This variant is associated with the following publications: (PMID: 33165748, 33225392, 39006921)

ARUP Laboratories, Molecular Genetics and Genomics, ARUP Laboratories
Classification: Uncertain significance. Last evaluated: 2021-09-17. Review status: criteria provided, single submitter. Criteria: ARUP Molecular Germline Variant Investigation Process 2021. Collection method: clinical testing. Allele origin: germline.
Comment: The NOD2 c.2046G>T; p.Leu682Phe variant (rs149002807) is reported in the literature in an individual with primary immunodeficiency and is also described in an individual affected with Blau syndrome in a gene-specific database (see link below). The variant is described in the ClinVar database (Variation ID: 319457) and in the South Asian population with an allele frequency of 0.2% (64/30,546 alleles) in the Genome Aggregation Database. The leucine at codon 682 is highly conserved but computational analyses are uncertain whether this variant is neutral or deleterious (REVEL: 0.534). Due to limited information, the clinical significance of the p.Leu682Phe variant is uncertain at this time. References: Link to NOD2 database: Arunachalam AK et al. Primary Immunodeficiencies in India: Molecular Diagnosis and the Role of Next-Generation Sequencing. J Clin Immunol. 2021 Feb;41(2):393-413. PMID: 33225392.

Illumina Laboratory Services, Illumina
Classification: Likely benign for Inflammatory bowel disease 1. Last evaluated: 2018-01-13. Review status: criteria provided, single submitter. Criteria: ICSL Variant Classification Criteria 13 December 2019. Collection method: clinical testing. Allele origin: germline.
Comment: This variant was observed in the ICSL laboratory as part of a predisposition screen in an ostensibly healthy population. It had not been previously curated by ICSL or reported in the Human Gene Mutation Database (HGMD: prior to June 1st, 2018), and was therefore a candidate for classification through an automated scoring system. Utilizing variant allele frequency, disease prevalence and penetrance estimates, and inheritance mode, an automated score was calculated to assess if this variant is too frequent to cause the disease. Based on the score and internal cut-off values, a variant classified as likely benign is not then subjected to further curation. The score for this variant resulted in a classification of likely benign for this disease.

Illumina Laboratory Services, Illumina
Classification: Benign for Blau syndrome. Last evaluated: 2018-01-13. Review status: criteria provided, single submitter. Criteria: ICSL Variant Classification Criteria 13 December 2019. Collection method: clinical testing. Allele origin: germline.
Comment: This variant was observed in the ICSL laboratory as part of a predisposition screen in an ostensibly healthy population. It had not been previously curated by ICSL or reported in the Human Gene Mutation Database (HGMD: prior to June 1st, 2018), and was therefore a candidate for classification through an automated scoring system. Utilizing variant allele frequency, disease prevalence and penetrance estimates, and inheritance mode, an automated score was calculated to assess if this variant is too frequent to cause the disease. Based on the score and internal cut-off values, a variant classified as benign is not then subjected to further curation. The score for this variant resulted in a classification of benign for this disease.